The following is an entry in ClinVar:

ClinVar aggregate classification (germline): Likely benign (0 of 4 stars; one submission).

Conditions:
JMJD7-related disorder. Also called: JMJD7-related condition.

Allele frequency attached by ClinVar (database versions not stated): ESP Exome Variant Server 0.00023.
gnomAD v4.1: 153 of 1,454,624 alleles (0.011%); highest among the groups gnomAD compares: Non-Finnish European, 0.007%; 1 homozygote.

Submission:

PreventionGenetics, part of Exact Sciences
Classification: Likely benign for JMJD7-related condition. Last evaluated: 2019-02-26. Review status: no assertion criteria provided. Collection method: clinical testing. Allele origin: germline.
Comment: This variant is classified as likely benign based on ACMG/AMP sequence variant interpretation guidelines (Richards et al. 2015 PMID: 25741868, with internal and published modifications).

NM_001114632.2(JMJD7):c.-5C>A

Genes: JMJD7 (jumonji domain containing 7; plus strand), JMJD7-PLA2G4B (JMJD7-PLA2G4B readthrough; plus strand), LOC112272587 (Sharpr-MPRA regulatory region 5929; plus strand). Cytogenetic location: 15q15.1.
Variant type: single nucleotide variant.
Coding change: c.-5C>A on transcript NM_001114632.2 (MANE Select); 5 bases upstream of the start codon, C replaced by A.
Molecular consequence: 5 prime UTR variant.
Genome position (GRCh38, 1-based): chr15:41,828,120, C>A. VCF-style: chr15-41828120-C-A. GRCh37 (hg19) VCF-style: chr15-42120318-C-A.
Other names: c.-5C>A (NM_001198588.2, NM_005090.4).
Identifiers: ClinVar variation 3050244 (VCV003050244.2), dbSNP rs201791211, ClinGen allele CA7498868.
Genomic context (GRCh38, chr15:41,828,120, plus strand): 5'-CTTGGGGTGTGGCCTGCGGCGGGGCGTCGGGGAAAGGCGGGGTCTCGGCCGGCGCTGACG[C>A]AGCCATGGCGGAGGCGGCTTTGGAAGCCGTGCGGAGCGAGTTACGAGAATTCCCGGCCGC-3'